The following is an entry in ClinVar:

ClinVar aggregate classification (germline): Likely pathogenic (1 of 4 stars; one submission).

Conditions:
Medium-chain acyl-coenzyme A dehydrogenase deficiency (ACADMD). Also called: CARNITINE DEFICIENCY SECONDARY TO MEDIUM-CHAIN ACYL-CoA DEHYDROGENASE DEFICIENCY; MCADD; Medium chain acyl-CoA dehydrogenase deficiency; MCADH DEFICIENCY; ACADM DEFICIENCY; MCAD Deficiency. Identifiers: Orphanet 42, MedGen C0220710, MONDO:0008721, OMIM 201450.

Submission:

Juno Genomics, Hangzhou Juno Genomics, Inc
Classification: Likely pathogenic for Medium-chain acyl-coenzyme A dehydrogenase deficiency. Review status: criteria provided, single submitter. Criteria: ACMG Guidelines, 2015. Collection method: clinical testing. Allele origin: germline. Affected: yes.
Comment: Absent from controls (or at extremely low frequency if recessive) in Genome Aggregation Database, Exome Sequencing Project, 1000 Genomes Project, or Exome Aggregation Consortium.;Null variant in a gene where loss of function (LOF) is a known mechanism of disease.

NM_000016.6(ACADM):c.84_90del (p.Arg29fs)

Gene: ACADM (acyl-CoA dehydrogenase medium chain; plus strand). Cytogenetic location: 1p31.1.
Variant type: Deletion.
Coding change: c.84_90del on transcript NM_000016.6 (MANE Select); coding-DNA positions 84 to 90, 7 bases deleted (TCGACAA; older notation c.84_90delTCGACAA).
Protein change: p.Arg29fs; shifts the reading frame from arginine 29.
Molecular consequence: frameshift variant. On other transcripts: intron variant (2).
Genome position (GRCh38, 1-based): chr1:75,728,454-75,728,460, TCGACAA deleted; deleting any 7 consecutive bases within chr1:75,728,451-75,728,460 gives the same sequence; the c. name uses the placement nearest the transcript's 3' end. VCF-style (leftmost placement, unchanged base first): chr1-75728450-CCAATCGA-C. GRCh37 (hg19) VCF-style: chr1-76194135-CCAATCGA-C.
Other names: c.96_102del, p.Arg33fs (NM_001127328.3); c.84_90del, p.Arg29fs (NM_001286043.2); c.10+3637_10+3643del (NM_001286042.2); c.-268+3637_-268+3643del (NM_001286044.2); short protein forms R29fs, R33fs.
Identifiers: ClinVar variation 3764706 (VCV003764706.2).